The following is an entry in ClinVar:

NM_001330691.3(CEP78):c.181A>T (p.Thr61Ser)

Gene: CEP78 (centrosomal protein 78; plus strand). Cytogenetic location: 9q21.2.
Variant type: single nucleotide variant.
Coding change: c.181A>T on transcript NM_001330691.3 (MANE Select); coding-DNA position 181, A replaced by T.
Protein change: p.Thr61Ser; replaces threonine 61 with serine.
Molecular consequence: missense variant.
Genome position (GRCh38, 1-based): chr9:78,236,531, A>T. VCF-style: chr9-78236531-A-T. GRCh37 (hg19) VCF-style: chr9-80851447-A-T.
Other names: c.181A>T, p.Thr61Ser (NM_001098802.3, NM_001330693.3, NM_001330694.2 and 4 more transcripts); short protein forms T61S.
Identifiers: ClinVar variation 860076 (VCV000860076.6), dbSNP rs1447971395, ClinGen allele CA373999418.

ClinVar aggregate classification (germline): Uncertain significance. Review status: criteria provided, multiple submitters, no conflicts (2 of 4 stars). 2 submissions from 2 submitters: Uncertain significance (2). Last evaluated 2025-09-08.

Conditions:
Inborn genetic diseases. Identifiers: MedGen C0950123, MeSH D030342.

Allele frequency attached by ClinVar (database versions not stated): gnomAD exomes below 0.00001; TOPMed 0.00002; gnomAD 0.00003.
gnomAD v4.1: 24 of 1,605,748 alleles (0.0015%); highest among the groups gnomAD compares: Non-Finnish European, 0.0019%; no homozygotes.

Submissions (2):

Ambry Genetics
Classification: Uncertain significance for Inborn genetic diseases. Last evaluated: 2025-09-08. Review status: criteria provided, single submitter. Criteria: Ambry Variant Classification Scheme 2023. Collection method: clinical testing. Allele origin: germline.

Labcorp Genetics (formerly Invitae), Labcorp
Classification: Uncertain significance. Last evaluated: 2021-11-08. Review status: criteria provided, single submitter. Criteria: Invitae Variant Classification Sherloc (09022015). Collection method: clinical testing. Allele origin: germline.
Comment: This sequence change replaces threonine, which is neutral and polar, with serine, which is neutral and polar, at codon 61 of the CEP78 protein (p.Thr61Ser). This variant is present in population databases (no rsID available, gnomAD 0.0008%). This variant has not been reported in the literature in individuals affected with CEP78-related conditions. ClinVar contains an entry for this variant (Variation ID: 860076). Algorithms developed to predict the effect of missense changes on protein structure and function (SIFT, PolyPhen-2, Align-GVGD) all suggest that this variant is likely to be tolerated. In summary, the available evidence is currently insufficient to determine the role of this variant in disease. Therefore, it has been classified as a Variant of Uncertain Significance.